The following is an entry in ClinVar:

NM_000127.3(EXT1):c.1359C>T (p.Phe453=)

Gene: EXT1 (exostosin glycosyltransferase 1; minus strand). Cytogenetic location: 8q24.11.
Variant type: single nucleotide variant.
Coding change: c.1359C>T on transcript NM_000127.3 (MANE Select); coding-DNA position 1359, C replaced by T.
Protein change: p.Phe453=; no amino-acid change (phenylalanine 453 retained).
Molecular consequence: synonymous variant.
Genome position (GRCh38, 1-based): chr8:117,822,523, G>A on the plus strand (C>T on the coding strand, the complement: EXT1 is on the minus strand). VCF-style: chr8-117822523-G-A. GRCh37 (hg19) VCF-style: chr8-118834762-G-A.
Identifiers: ClinVar variation 361656 (VCV000361656.15), dbSNP rs148922894, ClinGen allele CA4854163.

ClinVar aggregate classification (germline): Benign/Likely benign. Review status: criteria provided, multiple submitters, no conflicts (2 of 4 stars). 3 submissions from 3 submitters: Benign (1); Likely benign (2). Last evaluated 2025-11-27.

Conditions:
Multiple congenital exostosis (EXT). Also called: MULTIPLE CARTILAGINOUS EXOSTOSES; Multiple exostoses; Hereditary multiple osteochondromas; Hereditary multiple exostoses; Hereditary multiple exostosis; Multiple osteochondromas. Identifiers: Orphanet 321, MedGen C0015306, MONDO:0005508, HP:0002762.

Allele frequency attached by ClinVar (database versions not stated): ExAC 0.00045; gnomAD exomes 0.00047 and 0.00084; TOPMed 0.00056; gnomAD 0.00064 and 0.00067; ESP Exome Variant Server 0.00138.
gnomAD v4.1: 1,294 of 1,613,122 alleles (0.08%); highest among the groups gnomAD compares: Non-Finnish European, 0.1%; 4 homozygotes.

Submissions (3):

Labcorp Genetics (formerly Invitae), Labcorp
Classification: Likely benign for Multiple congenital exostosis. Last evaluated: 2025-11-27. Review status: criteria provided, single submitter. Criteria: Invitae Variant Classification Sherloc (09022015). Collection method: clinical testing. Allele origin: germline.

Blueprint Genetics
Classification: Likely benign. Last evaluated: 2024-10-10. Review status: criteria provided, single submitter. Criteria: ACMG Guidelines, 2015. Collection method: clinical testing. Allele origin: germline.

Illumina Laboratory Services, Illumina
Classification: Benign for Exostoses, multiple, type 1. Last evaluated: 2018-01-12. Review status: criteria provided, single submitter. Criteria: ICSL Variant Classification Criteria 13 December 2019. Collection method: clinical testing. Allele origin: germline.
Comment: This variant was observed in the ICSL laboratory as part of a predisposition screen in an ostensibly healthy population. It had not been previously curated by ICSL or reported in the Human Gene Mutation Database (HGMD: prior to June 1st, 2018), and was therefore a candidate for classification through an automated scoring system. Utilizing variant allele frequency, disease prevalence and penetrance estimates, and inheritance mode, an automated score was calculated to assess if this variant is too frequent to cause the disease. Based on the score and internal cut-off values, a variant classified as benign is not then subjected to further curation. The score for this variant resulted in a classification of benign for this disease.